The following is an entry in ClinVar:

ClinVar aggregate classification (germline): Uncertain significance (1 of 4 stars; one submission).

Conditions:
EAST syndrome (SESAMES). Also called: SEIZURES, SENSORINEURAL DEAFNESS, ATAXIA, IMPAIRED INTELLECTUAL DEVELOPMENT, AND ELECTROLYTE IMBALANCE. Identifiers: Orphanet 199343, MedGen C2748572, MONDO:0013005, OMIM 612780.

Submission:

New York Genome Center
Classification: Uncertain significance for EAST syndrome. Last evaluated: 2020-07-28. Review status: criteria provided, single submitter. Criteria: NYGC Assertion Criteria 2020. Collection method: clinical testing. Allele origin: germline. Observed: 1 homozygote. Study: CSER-NYCKidSeq.
Comment: The homozygous c.536T>A (p.Ile179Asn) missense variant identified in the KCNJ10 gene has not been reported in the literature. The p.Ile179Asn variant is absent from gnomAD (v3.0), suggesting it is not a common benign variant. In silico algorithms predict this variant to be deleterious to the function of the canonical transcript [PMID: 27268795]. Based on the available evidence, the c.536T>A (p.Ile179Asn) missense variant identified in the KCNJ10 gene is classified as a Variant of Uncertain Significance.

NM_002241.5(KCNJ10):c.536T>A (p.Ile179Asn)

Gene: KCNJ10 (potassium inwardly rectifying channel subfamily J member 10; minus strand). Cytogenetic location: 1q23.2.
Variant type: single nucleotide variant.
Coding change: c.536T>A on transcript NM_002241.5 (MANE Select); coding-DNA position 536, T replaced by A.
Protein change: p.Ile179Asn; replaces isoleucine 179 with asparagine.
Molecular consequence: missense variant.
Genome position (GRCh38, 1-based): chr1:160,041,997, A>T on the plus strand (T>A on the coding strand, the complement: KCNJ10 is on the minus strand). VCF-style: chr1-160041997-A-T. GRCh37 (hg19) VCF-style: chr1-160011787-A-T.
Other names: short protein forms I179N.
Identifiers: ClinVar variation 1098613 (VCV001098613.1), dbSNP rs2101924903, ClinGen allele CA343226557.